The following is an entry in ClinVar:

NM_181486.4(TBX5):c.148-1G>C

Gene: TBX5 (T-box transcription factor 5; minus strand). Cytogenetic location: 12q24.21.
Variant type: single nucleotide variant.
Coding change: c.148-1G>C on transcript NM_181486.4 (MANE Select); the canonical splice acceptor site of the intron before coding-DNA position 148, G replaced by C.
Molecular consequence: splice acceptor variant.
Genome position (GRCh38, 1-based): chr12:114,401,921, C>G on the plus strand (G>C on the coding strand, the complement: TBX5 is on the minus strand). VCF-style: chr12-114401921-C-G. GRCh37 (hg19) VCF-style: chr12-114839726-C-G.
Other names: c.-3-1G>C (NM_080717.4); c.148-1G>C (NM_000192.3).
Identifiers: ClinVar variation 2503373 (VCV002503373.1), dbSNP rs2540475443, ClinGen allele CA386863349.
Genomic context (GRCh38, chr12:114,401,921, plus strand): 5'-TTCGTGGAATTTTAGCCACAGTTCTCTTTCATGGAGAAACACTTTGATTCCCTCCATGCC[C>G]TGCAAGAAGGAGAAAAAAGTCACACTAACAAGCCCTGGCAGTAGTGGGCATTCCTTCCCC-3'

ClinVar aggregate classification (germline): Pathogenic (1 of 4 stars; one submission).

Submission:

GeneDx
Classification: Pathogenic. Last evaluated: 2022-11-28. Review status: criteria provided, single submitter. Criteria: GeneDx Variant Classification Process June 2021. Collection method: clinical testing. Allele origin: germline. Affected: yes.
Comment: Canonical splice site variant predicted to result in a null allele in a gene for which loss of function is a known mechanism of disease; Not observed at significant frequency in large population cohorts (gnomAD); This variant is associated with the following publications: (PMID: 25525159, 10077612, 26401820)